The following is an entry in ClinVar:

ClinVar aggregate classification (germline): Pathogenic (1 of 4 stars; one submission).

Submission:

Labcorp Genetics (formerly Invitae), Labcorp
Classification: Pathogenic. Last evaluated: 2024-05-27. Review status: criteria provided, single submitter. Criteria: Invitae Variant Classification Sherloc (09022015). Collection method: clinical testing. Allele origin: germline.
Comment: This sequence change creates a premature translational stop signal (p.Pro1014Alafs*70) in the COL18A1 gene. It is expected to result in an absent or disrupted protein product. Loss-of-function variants in COL18A1 are known to be pathogenic (PMID: 12415512, 25456301). This variant is not present in population databases (gnomAD no frequency). This variant has not been reported in the literature in individuals affected with COL18A1-related conditions. ClinVar contains an entry for this variant (Variation ID: 1451864). For these reasons, this variant has been classified as Pathogenic.

Literature cited by the submitters: PubMed 12415512; PubMed 25456301.

NM_001379500.1(COL18A1):c.3048dup (p.Pro1017fs)

Genes: COL18A1 (collagen type XVIII alpha 1 chain; plus strand), SLC19A1 (solute carrier family 19 member 1; minus strand). Cytogenetic location: 21q22.3.
Variant type: Duplication.
Coding change: c.3048dup on transcript NM_001379500.1 (MANE Select); coding-DNA position 3048, one base duplicated (G; older notation c.3048dupG).
Protein change: p.Pro1017fs; shifts the reading frame from proline 1017.
Molecular consequence: frameshift variant.
Genome position (GRCh38, 1-based): chr21:45,505,392, G duplicated; the last of 3 consecutive G bases (chr21:45,505,390-45,505,392); duplicating any one gives the same sequence. VCF-style (leftmost placement, unchanged base first): chr21-45505389-T-TG. GRCh37 (hg19) VCF-style: chr21-46925303-T-TG.
Other names: c.3579dup, p.Pro1194fs (NM_030582.4); c.4284dup, p.Pro1429fs (NM_130444.3); short protein forms P1194fs, P1017fs, P1429fs.
Identifiers: ClinVar variation 1451864 (VCV001451864.6), dbSNP rs2146083140, ClinGen allele CA2573157809.